The following is an entry in ClinVar:

NM_006237.4(POU4F1):c.34G>T (p.Ala12Ser)

Genes: OBI1-AS1 (OBI1 antisense RNA 1; plus strand), POU4F1 (POU class 4 homeobox 1; minus strand). Cytogenetic location: 13q31.1.
Variant type: single nucleotide variant.
Coding change: c.34G>T on transcript NM_006237.4 (MANE Select); coding-DNA position 34, G replaced by T.
Protein change: p.Ala12Ser; replaces alanine 12 with serine.
Molecular consequence: missense variant.
Genome position (GRCh38, 1-based): chr13:78,603,293, C>A on the plus strand (G>T on the coding strand, the complement: POU4F1 is on the minus strand). VCF-style: chr13-78603293-C-A. GRCh37 (hg19) VCF-style: chr13-79177428-C-A.
Other names: short protein forms A12S.
Identifiers: ClinVar variation 4534457 (VCV004534457.6).

ClinVar aggregate classification (germline): Uncertain significance (1 of 4 stars; one submission).

Submission:

CeGaT Center for Human Genetics Tuebingen
Classification: Uncertain significance. Last evaluated: 2025-11-01. Review status: criteria provided, single submitter. Criteria: CeGaT Center For Human Genetics Tuebingen Variant Classification Criteria Version 2. Collection method: clinical testing. Allele origin: germline. Affected: yes. Observed: 1 variant allele.
Comment: POU4F1: PM2